The following is an entry in ClinVar:

ClinVar aggregate classification (germline): Uncertain significance (1 of 4 stars; one submission).

Conditions:
Melnick-Needles syndrome (MNS). Also called: MELNICK-NEEDLES OSTEODYSPLASTY; OSTEODYSPLASTY OF MELNICK AND NEEDLES; Melnick-Needles Syndrome (FLNA-MNS). Identifiers: Orphanet 2484, MedGen C0025237, MONDO:0010650, OMIM 309350.
Frontometaphyseal dysplasia (FMD1). Identifiers: Orphanet 1826, MedGen C0265293, MONDO:0015942.
Heterotopia, periventricular, X-linked dominant (PVNH1). Also called: PERIVENTRICULAR NODULAR HETEROTOPIA 1; X-linked periventricular heterotopia; PERIVENTRICULAR NODULAR HETEROTOPIA 4; HETEROTOPIA, PERIVENTRICULAR, 1. Identifiers: Orphanet 2149, Orphanet 82004, MedGen C1848213, MONDO:0010233, OMIM 300049.
Oto-palato-digital syndrome, type II (OPD2). Also called: FACIOPALATOOSSEOUS SYNDROME; OPD II SYNDROME; Otopalatodigital Syndrome, Type II; Otopalatodigital Syndrome Type 2 (FLNA-OPD2). Identifiers: Orphanet 669, Orphanet 90652, MedGen C1844696, MONDO:0010571, OMIM 304120.

Submission:

Labcorp Genetics (formerly Invitae), Labcorp
Classification: Uncertain significance for Oto-palato-digital syndrome, type II; Heterotopia, periventricular, X-linked dominant; Frontometaphyseal dysplasia; Melnick-Needles syndrome. Last evaluated: 2024-02-24. Review status: criteria provided, single submitter. Criteria: Invitae Variant Classification Sherloc (09022015). Collection method: clinical testing. Allele origin: germline.
Comment: This sequence change replaces serine, which is neutral and polar, with arginine, which is basic and polar, at codon 85 of the FLNA protein (p.Ser85Arg). This variant is not present in population databases (gnomAD no frequency). This variant has not been reported in the literature in individuals affected with FLNA-related conditions. Advanced modeling of protein sequence and biophysical properties (such as structural, functional, and spatial information, amino acid conservation, physicochemical variation, residue mobility, and thermodynamic stability) has been performed at Invitae for this missense variant, however the output from this modeling did not meet the statistical confidence thresholds required to predict the impact of this variant on FLNA protein function. In summary, the available evidence is currently insufficient to determine the role of this variant in disease. Therefore, it has been classified as a Variant of Uncertain Significance.

NM_001110556.2(FLNA):c.255C>A (p.Ser85Arg)

Gene: FLNA (filamin A; minus strand). Cytogenetic location: Xq28.
Variant type: single nucleotide variant.
Coding change: c.255C>A on transcript NM_001110556.2 (MANE Select); coding-DNA position 255, C replaced by A.
Protein change: p.Ser85Arg; replaces serine 85 with arginine.
Molecular consequence: missense variant.
Genome position (GRCh38, 1-based): chrX:154,370,991, G>T on the plus strand (C>A on the coding strand, the complement: FLNA is on the minus strand). VCF-style: chrX-154370991-G-T. GRCh37 (hg19) VCF-style: chrX-153599359-G-T.
Other names: c.255C>A, p.Ser85Arg (NM_001456.4); short protein forms S85R.
Identifiers: ClinVar variation 3754018 (VCV003754018.2).
Genomic context (GRCh38, chrX:154,370,991, plus strand): 5'-CTCAAGCTGCATTTGGCGGAAAGTGGGCCGCTGGTTGTGCTTGCGGTGCATCTTCTTCTG[G>T]CTGAGCACCTCCAACAGCGCGATAAGCCGCAGCCCGTCGCTCAGGTCCGTCTGCAGGTTG-3'
Protein context (NP_001104026.1, residues 75-95): LRLIALLEVL[Ser85Arg]QKKMHRKHNQ